The following is an entry in ClinVar:

ClinVar aggregate classification (germline): Pathogenic. Review status: criteria provided, multiple submitters, no conflicts (2 of 4 stars). 2 submissions from 2 submitters: Pathogenic (2). Last evaluated 2026-04-22.

Conditions:
Kennedy disease (SMAX1). Also called: SPINAL AND BULBAR MUSCULAR ATROPHY, X-LINKED 1; KENNEDY SPINAL AND BULBAR MUSCULAR ATROPHY; Spinal and Bulbar Muscular Atrophy. Identifiers: Orphanet 481, MedGen C1839259, MONDO:0010735, OMIM 313200.
Androgen resistance syndrome (AIS). Also called: ANDROGEN RECEPTOR DEFICIENCY; DIHYDROTESTOSTERONE RECEPTOR DEFICIENCY; Androgen insensitivity; DHTR DEFICIENCY; TESTICULAR FEMINIZATION SYNDROME; Androgen insensitivity syndrome. Identifiers: Orphanet 754, Orphanet 99429, MedGen C0039585, MONDO:0019154, OMIM 300068. Disease mechanism: loss of function.
Differences in sex development.

Submissions (2):

NHS Central & South Genomic Laboratory Hub
Classification: Pathogenic for Differences in sex development. Last evaluated: 2026-04-22. Review status: criteria provided, single submitter. Criteria: ACMG Guidelines, 2015. Collection method: clinical testing. Allele origin: germline. Affected: yes.

Labcorp Genetics (formerly Invitae), Labcorp
Classification: Pathogenic for Kennedy disease; Androgen resistance syndrome. Last evaluated: 2023-07-14. Review status: criteria provided, single submitter. Criteria: Invitae Variant Classification Sherloc (09022015). Collection method: clinical testing. Allele origin: germline.
Comment: This variant is not present in population databases (gnomAD no frequency). For these reasons, this variant has been classified as Pathogenic. Experimental studies have shown that disruption of the initiator codon affects AR function (PMID: 34152287). Algorithms developed to predict the effect of variants on protein structure and function are not available or were not evaluated for this variant. ClinVar contains an entry for this variant (Variation ID: 1470535). Disruption of the initiator codon has been observed in individual(s) with clinical features of androgen insensitivity syndrome (PMID: 34152287; Invitae). This sequence change affects the initiator methionine of the AR mRNA. The next in-frame methionine is located at codon 191.

Literature cited by the submitters: PubMed 34152287 (cited by Labcorp Genetics (formerly Invitae), Labcorp).

NM_000044.6(AR):c.1A>T (p.Met1Leu)

Gene: AR (androgen receptor; plus strand). Cytogenetic location: Xq12.
Variant type: single nucleotide variant.
Coding change: c.1A>T on transcript NM_000044.6 (MANE Select); coding-DNA position 1, A replaced by T.
Protein change: p.Met1Leu; changes the start codon (methionine 1).
Molecular consequence: missense variant, initiator codon variant. On other transcripts: 5 prime UTR variant (1).
Genome position (GRCh38, 1-based): chrX:67,545,147, A>T. VCF-style: chrX-67545147-A-T. GRCh37 (hg19) VCF-style: chrX-66764989-A-T.
Other names: c.-1783A>T (NM_001011645.3); c.1A>T, p.Met1Leu (NM_001348061.1, NM_001348063.1, NM_001348064.1); short protein forms M1L.
Identifiers: ClinVar variation 1470535 (VCV001470535.7), dbSNP rs2147313671, ClinGen allele CA413423582.